The following is an entry in ClinVar:

ClinVar aggregate classification (germline): Pathogenic. Review status: criteria provided, multiple submitters, no conflicts (2 of 4 stars). 3 submissions from 3 submitters: Pathogenic (3). Last evaluated 2022-05-22.

Conditions:
LAMA2-related muscular dystrophy (LAMA2-RD). Also called: Laminin alpha 2-related dystrophy. Identifiers: MedGen C5679788, MONDO:0100228.
Merosin deficient congenital muscular dystrophy (MDC1A). Also called: Congenital Muscular Dystrophy Type 1A (MDC1A); Congenital merosin-deficient muscular dystrophy 1A. Identifiers: Orphanet 258, MedGen C1263858, MONDO:0011925, OMIM 607855.

Submissions (3):

Labcorp Genetics (formerly Invitae), Labcorp
Classification: Pathogenic for LAMA2-related muscular dystrophy. Last evaluated: 2022-05-22. Review status: criteria provided, single submitter. Criteria: Invitae Variant Classification Sherloc (09022015). Collection method: clinical testing. Allele origin: germline.
Comment: This sequence change affects a donor splice site in intron 27 of the LAMA2 gene. It is expected to disrupt RNA splicing. Variants that disrupt the donor or acceptor splice site typically lead to a loss of protein function (PMID: 16199547), and loss-of-function variants in LAMA2 are known to be pathogenic (PMID: 18700894, 32904964). For these reasons, this variant has been classified as Pathogenic. Algorithms developed to predict the effect of sequence changes on RNA splicing suggest that this variant may disrupt the consensus splice site. ClinVar contains an entry for this variant (Variation ID: 1299246). Disruption of this splice site has been observed in individual(s) with congenital muscular dystrophy (PMID: 24611677). In at least one individual the data is consistent with being in trans (on the opposite chromosome) from a pathogenic variant. This variant is not present in population databases (gnomAD no frequency).

Revvity Omics, Revvity
Classification: Pathogenic. Last evaluated: 2021-11-10. Review status: criteria provided, single submitter. Criteria: ACMG Guidelines, 2015. Collection method: clinical testing. Allele origin: germline.

Kasturba Medical College, Manipal, Kasturba Medical College, Manipal, Manipal Academy of Higher Education, Manipal, India
Classification: Pathogenic for Merosin deficient congenital muscular dystrophy. Review status: criteria provided, single submitter. Criteria: ACMG Guidelines, 2015. Collection method: clinical testing. Allele origin: paternal. Inheritance: Autosomal recessive inheritance. Affected: yes. Observed: 1 compound heterozygote.

Literature cited by the submitters: PubMed 16199547 (cited by Labcorp Genetics (formerly Invitae), Labcorp); PubMed 18700894 (cited by Labcorp Genetics (formerly Invitae), Labcorp); PubMed 32904964 (cited by Labcorp Genetics (formerly Invitae), Labcorp); PubMed 24611677 (cited by Labcorp Genetics (formerly Invitae), Labcorp).

NM_000426.4(LAMA2):c.4058+1G>A

Gene: LAMA2 (laminin subunit alpha 2; plus strand). Cytogenetic location: 6q22.33.
Variant type: single nucleotide variant.
Coding change: c.4058+1G>A on transcript NM_000426.4 (MANE Select); the canonical splice donor site of the intron after coding-DNA position 4058, G replaced by A.
Molecular consequence: splice donor variant.
Genome position (GRCh38, 1-based): chr6:129,316,172, G>A. VCF-style: chr6-129316172-G-A. GRCh37 (hg19) VCF-style: chr6-129637317-G-A.
Other names: c.4058+1G>A (NM_000426.3, NM_001079823.2).
Identifiers: ClinVar variation 1299246 (VCV001299246.12), dbSNP rs2114503272, ClinGen allele CA365613880.